The following is an entry in ClinVar:

NM_004655.4(AXIN2):c.86AAG[3] (p.Glu30dup)

Gene: AXIN2 (axin 2; minus strand). Cytogenetic location: 17q24.1.
Variant type: Microsatellite.
Coding change: c.86AAG[3] on transcript NM_004655.4 (MANE Select); three copies in a row of the 3-base unit AAG starting at c.86; the reference has two copies in a row; one copy, 3 bases duplicated.
Protein change: p.Glu30dup; duplicates glutamic acid 30.
Molecular consequence: inframe insertion.
Genome position (GRCh38, 1-based): chr17:65,558,530-65,558,532, CTT duplicated on the plus strand (AAG on the coding strand, the reverse complement: AXIN2 is on the minus strand); duplicating any 3 consecutive bases within chr17:65,558,530-65,558,536 gives the same sequence; the position shown is the placement nearest the transcript's 3' end. VCF-style (leftmost placement, unchanged base first): chr17-65558529-C-CCTT. GRCh37 (hg19) VCF-style: chr17-63554647-C-CCTT.
Other names: c.86AAG[3], p.Glu30dup (NM_001363813.1).
Identifiers: ClinVar variation 967288 (VCV000967288.9), dbSNP rs2044310810, ClinGen allele CA2270894532.

ClinVar aggregate classification (germline): Uncertain significance (1 of 4 stars; one submission).

Conditions:
Oligodontia-cancer predisposition syndrome. Also called: TOOTH AGENESIS-COLORECTAL CANCER SYNDROME. Identifiers: Orphanet 300576, MedGen C1837750, MONDO:0012075, OMIM 608615. Disease mechanism: loss of function.

Submission:

Labcorp Genetics (formerly Invitae), Labcorp
Classification: Uncertain significance for Oligodontia-cancer predisposition syndrome. Last evaluated: 2019-10-22. Review status: criteria provided, single submitter. Criteria: Invitae Variant Classification Sherloc (09022015). Collection method: clinical testing. Allele origin: germline.
Comment: In summary, the available evidence is currently insufficient to determine the role of this variant in disease. Therefore, it has been classified as a Variant of Uncertain Significance. Experimental studies and prediction algorithms are not available or were not evaluated, and the functional significance of this variant is currently unknown. This variant has not been reported in the literature in individuals with AXIN2-related conditions. This variant is not present in population databases (ExAC no frequency). This variant, c.89_91dup, results in the insertion of 1 amino acid(s) to the AXIN2 protein (p.Glu30dup), but otherwise preserves the integrity of the reading frame.